The following is an entry in ClinVar:

NM_003319.4:c.46274_57364del

Gene: TTN (titin; minus strand).
Variant type: Deletion.
Other names: c.46274_57364del (NM_003319.4).
Identifiers: ClinVar variation 2626781 (VCV002626781.1).

ClinVar aggregate classification (germline): Uncertain significance (1 of 4 stars; one submission).

Conditions:
Cardiovascular phenotype. Identifiers: MedGen CN230736.

Submission:

Ambry Genetics
Classification: Uncertain significance for Cardiovascular phenotype. Last evaluated: 2023-08-23. Review status: criteria provided, single submitter. Criteria: Ambry General Variant Classification Scheme_2022. Collection method: clinical testing. Allele origin: germline.
Comment: The c.46274_57364del11091 variant (also known as p.N15425_V19121del), located in coding exon 153 of the TTN gene, results from an in-frame deletion of 11091 nucleotides at positions c.46274 to c.57364. This results in the in-frame deletion of 3697 amino acids. Exon 153 is located in the A-band region of the N2-B isoform of the titin protein and is constitutively expressed in TTN transcripts (percent spliced in or PSI 100%). The resulting transcript is predicted to be in-frame and is not expected to trigger nonsense-mediated mRNA decay. The exact functional effect of the missing amino acids is unknown. Since supporting evidence is limited at this time, the clinical significance of this alteration remains unclear.